The following is an entry in ClinVar:

NM_000359.3(TGM1):c.1403-15C>A

Gene: TGM1 (transglutaminase 1; minus strand). Cytogenetic location: 14q12.
Variant type: single nucleotide variant.
Coding change: c.1403-15C>A on transcript NM_000359.3 (MANE Select); 15 bases into the intron before coding-DNA position 1403, C replaced by A.
Molecular consequence: intron variant.
Genome position (GRCh38, 1-based): chr14:24,256,092, G>T on the plus strand (C>A on the coding strand, the complement: TGM1 is on the minus strand). VCF-style: chr14-24256092-G-T. GRCh37 (hg19) VCF-style: chr14-24725298-G-T.
Identifiers: ClinVar variation 3776186 (VCV003776186.1).

ClinVar aggregate classification (germline): Uncertain significance (1 of 4 stars; one submission).

Conditions:
Autosomal recessive congenital ichthyosis 1 (LI1). Also called: ICHTHYOSIS CONGENITA; ICHTHYOSIS CONGENITA II; LAMELLAR EXFOLIATION OF NEWBORN; COLLODION FETUS; DESQUAMATION OF NEWBORN; ICHTHYOSIS, CONGENITAL, AUTOSOMAL RECESSIVE 1, WITH BATHING SUIT DISTRIBUTION. Identifiers: MedGen C4551630, MONDO:0009441, OMIM 242300.

gnomAD v4.1: 1 of 1,551,272 alleles (0.000064%); highest among the groups gnomAD compares: South Asian, 0.0012%; no homozygotes.

Submission:

3billion
Classification: Uncertain significance for Autosomal recessive congenital ichthyosis 1. Last evaluated: 2023-07-19. Review status: criteria provided, single submitter. Criteria: ACMG Guidelines, 2015. Collection method: clinical testing. Allele origin: germline. Affected: yes.
Comment: The variant is not observed in the gnomAD v2.1.1 dataset. Predicted Consequence/Location: Intron variant In silico tools predict the variant to alter splicing and produce an abnormal transcript (SpliceAI: 0.92). Therefore, this variant is classified as VUS according to the recommendation of ACMG/AMP guideline.